The following is an entry in ClinVar:

ClinVar aggregate classification (germline): Uncertain significance (1 of 4 stars; one submission).

Conditions:
Norman-Roberts syndrome (LIS2). Also called: Lissencephaly 2 (Norman-Roberts type). Identifiers: Orphanet 89844, MedGen C0796089, MONDO:0009760, OMIM 257320.
Familial temporal lobe epilepsy 7. Identifiers: Orphanet 101046, MedGen C4225327, MONDO:0014639, OMIM 616436.

Allele frequency attached by ClinVar (database versions not stated): TOPMed below 0.00001; gnomAD exomes 0.00001; ExAC 0.00002.
gnomAD v4.1: 19 of 1,613,980 alleles (0.0012%); highest among the groups gnomAD compares: Non-Finnish European, 0.0016%; no homozygotes.

Submission:

Labcorp Genetics (formerly Invitae), Labcorp
Classification: Uncertain significance for Familial temporal lobe epilepsy 7; Norman-Roberts syndrome. Last evaluated: 2022-03-12. Review status: criteria provided, single submitter. Criteria: Invitae Variant Classification Sherloc (09022015). Collection method: clinical testing. Allele origin: germline.
Comment: This sequence change replaces threonine, which is neutral and polar, with alanine, which is neutral and non-polar, at codon 1369 of the RELN protein (p.Thr1369Ala). This variant is present in population databases (rs115633553, gnomAD 0.003%). This variant has not been reported in the literature in individuals affected with RELN-related conditions. Algorithms developed to predict the effect of missense changes on protein structure and function are either unavailable or do not agree on the potential impact of this missense change (SIFT: "Deleterious"; PolyPhen-2: "Possibly Damaging"; Align-GVGD: "Class C0"). In summary, the available evidence is currently insufficient to determine the role of this variant in disease. Therefore, it has been classified as a Variant of Uncertain Significance.

NM_005045.4(RELN):c.4105A>G (p.Thr1369Ala)

Gene: RELN (reelin; minus strand). Cytogenetic location: 7q22.1.
Variant type: single nucleotide variant.
Coding change: c.4105A>G on transcript NM_005045.4 (MANE Select); coding-DNA position 4105, A replaced by G.
Protein change: p.Thr1369Ala; replaces threonine 1369 with alanine.
Molecular consequence: missense variant.
Genome position (GRCh38, 1-based): chr7:103,589,636, T>C on the plus strand (A>G on the coding strand, the complement: RELN is on the minus strand). VCF-style: chr7-103589636-T-C. GRCh37 (hg19) VCF-style: chr7-103230083-T-C.
Other names: c.4105A>G, p.Thr1369Ala (NM_173054.3); short protein forms T1369A.
Identifiers: ClinVar variation 1966661 (VCV001966661.5), dbSNP rs115633553, ClinGen allele CA4421604.